The following is an entry in ClinVar:

NM_000334.4(SCN4A):c.2341G>A (p.Val781Ile)

Genes: GH-LCR (growth hormone locus control region; plus strand), SCN4A (sodium voltage-gated channel alpha subunit 4; minus strand). Cytogenetic location: 17q23.3.
Variant type: single nucleotide variant.
Coding change: c.2341G>A on transcript NM_000334.4 (MANE Select); coding-DNA position 2341, G replaced by A.
Protein change: p.Val781Ile; replaces valine 781 with isoleucine.
Molecular consequence: missense variant.
Genome position (GRCh38, 1-based): chr17:63,957,197, C>T on the plus strand (G>A on the coding strand, the complement: SCN4A is on the minus strand). VCF-style: chr17-63957197-C-T. GRCh37 (hg19) VCF-style: chr17-62034557-C-T.
Other names: short protein forms V781I.
Identifiers: ClinVar variation 21153 (VCV000021153.57), dbSNP rs62070884, ClinGen allele CA248660.

ClinVar aggregate classification (germline): Benign/Likely benign. Review status: criteria provided, multiple submitters, no conflicts (2 of 4 stars). 22 submissions from 18 submitters: Benign (8); Likely benign (10). 4 of the submissions do not count toward it. Last evaluated 2026-09-01.

Conditions:
Congenital myasthenic syndrome 16. Identifiers: Orphanet 590, MedGen C3280112, MONDO:0013620, OMIM 614198.
Hyperkalemic periodic paralysis. Also called: Gamstorp disease; Familial hyperkalemic periodic paralysis. Identifiers: Orphanet 682, MedGen C0238357, MONDO:0008224, OMIM 170500, HP:0007215.
Paramyotonia congenita of Von Eulenburg. Also called: Eulenburg disease; Myotonia congenita intermittens; Von Eulenburg paramyotonia congenita; Paramyotonia Congenita; PARALYSIS PERIODICA PARAMYOTONICA. Identifiers: Orphanet 684, MedGen C0221055, MONDO:0008195, OMIM 168300. Disease mechanism: loss of function.
Potassium-aggravated myotonia. Also called: MYOTONIA CONGENITA, ACETAZOLAMIDE-RESPONSIVE; MYOTONIA CONGENITA, ATYPICAL; Myotonia congenita, atypical, acetazolamide-responsive; SODIUM CHANNEL MUSCLE DISEASE. Identifiers: Orphanet 612, Orphanet 99734, Orphanet 99735, Orphanet 99736, MedGen C2931826, MONDO:0018959, OMIM 608390.
Hypokalemic periodic paralysis, type 1. Also called: HypoPP; Hypokalemic Periodic Paralysis Type 1 (AD). Identifiers: Orphanet 681, MedGen C3714580, MONDO:0042979, OMIM 170400.
Hypokalemic periodic paralysis, type 2 (HOKPP2). Identifiers: Orphanet 681, MedGen C2750061, MONDO:0013234, OMIM 613345.
Joubert syndrome 17 (JBTS17). Identifiers: Orphanet 475, MedGen C3553264, MONDO:0013824, OMIM 614615.

Allele frequency attached by ClinVar (database versions not stated): ESP Exome Variant Server 0.00461; TOPMed 0.00920; gnomAD exomes 0.01058 and 0.00770; ExAC 0.00969; gnomAD 0.00873 and 0.00881; 1000 Genomes Project 0.00919; 1000 Genomes Project 30x 0.00937.
gnomAD v4.1: 12,269 of 1,590,850 alleles (0.77%); highest among the groups gnomAD compares: Admixed American, 3.1%; 77 homozygotes.

Submissions (22):

CeGaT Center for Human Genetics Tuebingen
Classification: Benign. Last evaluated: 2026-09-01. Review status: criteria provided, single submitter. Criteria: CeGaT Center For Human Genetics Tuebingen Variant Classification Criteria Version 2. Collection method: clinical testing. Allele origin: germline. Affected: yes. Observed: 30 variant alleles.
Comment: SCN4A: BS1, BS2

Labcorp Genetics (formerly Invitae), Labcorp
Classification: Benign for Hyperkalemic periodic paralysis. Last evaluated: 2026-02-02. Review status: criteria provided, single submitter. Criteria: Invitae Variant Classification Sherloc (09022015). Collection method: clinical testing. Allele origin: germline.

Athena Diagnostics
Classification: Benign. Last evaluated: 2025-10-13. Review status: criteria provided, single submitter. Criteria: Athena Diagnostics Criteria. Collection method: clinical testing. Allele origin: unknown.
Comment: The frequency of this variant in the general population is higher than would generally be expected for pathogenic variants in this gene. Computational tools predict this amino acid change may be benign. Assessment of experimental evidence regarding the effect of this variant on protein function suggests it has no effect relevant to disease.

Fulgent Genetics
Classification: Likely benign for Paramyotonia congenita of Von Eulenburg; Hypokalemic periodic paralysis, type 1; Hyperkalemic periodic paralysis; Potassium-aggravated myotonia; Hypokalemic periodic paralysis, type 2; Congenital myasthenic syndrome 16. Last evaluated: 2022-04-16. Review status: criteria provided, single submitter. Criteria: ACMG Guidelines, 2015. Collection method: clinical testing. Allele origin: unknown.

Mayo Clinic Laboratories, Mayo Clinic
Classification: Benign. Last evaluated: 2018-06-12. Review status: criteria provided, single submitter. Criteria: ACMG Guidelines, 2015. Collection method: clinical testing. Allele origin: germline. Observed: 9 variant alleles.

Center for Pediatric Genomic Medicine, Children's Mercy Hospital and Clinics
Classification: Likely benign. Last evaluated: 2017-07-05. Review status: criteria provided, single submitter. Criteria: ACMG Guidelines, 2015. Collection method: clinical testing. Allele origin: germline.

Illumina Laboratory Services, Illumina
Classification: Likely benign for Hypokalemic periodic paralysis, type 2. Last evaluated: 2017-04-27. Review status: criteria provided, single submitter. Criteria: ICSL Variant Classification Criteria 13 December 2019. Collection method: clinical testing. Allele origin: germline.
Comment: This variant was observed as part of a predisposition screen in an ostensibly healthy population. A literature search was performed for the gene, cDNA change, and amino acid change (where applicable). No publications were found based on this search. Allele frequency data from public databases allowed determination this variant is unlikely to cause disease. Therefore, this variant is classified as likely benign.

Illumina Laboratory Services, Illumina
Classification: Likely benign for Congenital myasthenic syndrome 16. Last evaluated: 2017-04-27. Review status: criteria provided, single submitter. Criteria: ICSL Variant Classification Criteria 13 December 2019. Collection method: clinical testing. Allele origin: germline.
Comment: the same text as in the submission from Illumina Laboratory Services, Illumina above.

Illumina Laboratory Services, Illumina
Classification: Likely benign for Potassium-aggravated myotonia. Last evaluated: 2017-04-27. Review status: criteria provided, single submitter. Criteria: ICSL Variant Classification Criteria 13 December 2019. Collection method: clinical testing. Allele origin: germline.
Comment: the same text as in the submission from Illumina Laboratory Services, Illumina above.

Illumina Laboratory Services, Illumina
Classification: Likely benign for Hyperkalemic periodic paralysis. Last evaluated: 2017-04-27. Review status: criteria provided, single submitter. Criteria: ICSL Variant Classification Criteria 13 December 2019. Collection method: clinical testing. Allele origin: germline.
Comment: This variant was observed as part of a predisposition screen in an ostensibly healthy population. A literature search was performed for the gene, cDNA change, and amino acid change (where applicable). Publications were found based on this search. The evidence from the literature, in combination with allele frequency data from public databases where available, was sufficient to determine this variant is unlikely to cause disease. Therefore, this variant is classified as likely benign.

Illumina Laboratory Services, Illumina
Classification: Likely benign for Paramyotonia congenita of Von Eulenburg. Last evaluated: 2017-04-27. Review status: criteria provided, single submitter. Criteria: ICSL Variant Classification Criteria 13 December 2019. Collection method: clinical testing. Allele origin: germline.
Comment: the same text as in the submission from Illumina Laboratory Services, Illumina above.

Genetic Services Laboratory, University of Chicago
Classification: Benign. Last evaluated: 2016-05-04. Review status: criteria provided, single submitter. Criteria: ACMG Guidelines, 2015. Collection method: clinical testing. Allele origin: germline. Affected: no.

GeneDx
Classification: Benign. Last evaluated: 2016-02-18. Review status: criteria provided, single submitter. Criteria: GeneDx Variant Classification (06012015). Collection method: clinical testing. Allele origin: germline. Affected: yes.
Comment: This variant is considered likely benign or benign based on one or more of the following criteria: it is a conservative change, it occurs at a poorly conserved position in the protein, it is predicted to be benign by multiple in silico algorithms, and/or has population frequency not consistent with disease.

Genomic Diagnostic Laboratory, Division of Genomic Diagnostics, Children's Hospital of Philadelphia
Classification: Benign. Last evaluated: 2015-06-16. Review status: criteria provided, single submitter. Criteria: DGD Variant Analysis Guidelines. Collection method: clinical testing. Allele origin: unknown.

Eurofins Ntd Llc (ga)
Classification: Benign. Last evaluated: 2013-07-05. Review status: criteria provided, single submitter. Criteria: EGL Classification Definitions 2015. Collection method: clinical testing. Allele origin: germline. Observed: 3 variant alleles, 3 heterozygotes.

Breakthrough Genomics
Classification: Likely benign. Review status: criteria provided, single submitter. Criteria: ACMG Guidelines, 2015. Collection method: not provided. Allele origin: germline. Inheritance: Autosomal recessive inheritance. Affected: yes.

Broad Center for Mendelian Genomics, Broad Institute of MIT and Harvard
Classification: Likely benign for Joubert syndrome 17. Review status: criteria provided, single submitter. Criteria: ACMG Guidelines, 2015. Collection method: research. Allele origin: germline. Inheritance: Autosomal dominant inheritance. Affected: yes.
Comment: The heterozygous p.Val781Ile variant in SCN4A has been identified in 2 individuals with hyperkalaemic periodic paralysis (PMID: 7695243, 18046642), and has been identified in >2% of Latino chromosomes and 9 homozygotes by ExAC. In vitro functional studies provide some evidence that the p.Val781Ile variant may not impact protein function (PMID: 9266738). However, these types of assays may not accurately represent biological function. In summary, although additional studies are required to fully establish its clinical significance, this variant meets criteria to be classified as likely benign for hyperkalaemic periodic paralysis.

PreventionGenetics, part of Exact Sciences
Classification: Likely benign. Review status: criteria provided, single submitter. Criteria: ACMG Guidelines, 2015. Collection method: clinical testing. Allele origin: germline.

Diagnostic Laboratory, Department of Genetics, University Medical Center Groningen
Classification: Benign. Review status: no assertion criteria provided. Collection method: clinical testing. Allele origin: germline. Affected: yes. Study: VKGL Data-share Consensus. Not counted in ClinVar's aggregate classification.

GeneReviews
No classification provided. Condition: Hyperkalemic periodic paralysis. Review status: no classification provided. Collection method: literature only. Allele origin: germline. Not counted in ClinVar's aggregate classification.

Genome Diagnostics Laboratory, University Medical Center Utrecht
Classification: Likely benign. Review status: no assertion criteria provided. Collection method: clinical testing. Allele origin: germline. Affected: yes. Study: VKGL Data-share Consensus. Not counted in ClinVar's aggregate classification.

Laboratory of Diagnostic Genome Analysis, Leiden University Medical Center (LUMC)
Classification: Likely benign. Review status: no assertion criteria provided. Collection method: clinical testing. Allele origin: germline. Affected: yes. Study: VKGL Data-share Consensus. Not counted in ClinVar's aggregate classification.

Literature cited by the submitters: PubMed 15534250 (cited by Athena Diagnostics); PubMed 18046642 (cited by Athena Diagnostics and Broad Center for Mendelian Genomics, Broad Institute of MIT and Harvard); PubMed 7695243 (cited by 3 submitters); PubMed 9266738 (cited by 4 submitters); PubMed 9660885 (cited by Athena Diagnostics); PubMed 10534266 (cited by Athena Diagnostics); PubMed 26036855 (cited by Athena Diagnostics); PubMed 27535533 (cited by Athena Diagnostics); PubMed 29606556 (cited by Athena Diagnostics); PubMed 20981092 (cited by Broad Center for Mendelian Genomics, Broad Institute of MIT and Harvard); NCBI Bookshelf NBK1496 (cited by GeneReviews).